The following is an entry in ClinVar:

ClinVar aggregate classification (germline): Pathogenic/Likely pathogenic. Review status: criteria provided, multiple submitters, no conflicts (2 of 4 stars). 5 submissions from 5 submitters: Pathogenic (1); Likely pathogenic (4). Last evaluated 2025-11-27.

Conditions:
SAMHD1-related disorder. Also called: SAMHD1-related condition.
Aicardi Goutieres syndrome (AGS). Also called: Encephalopathy, familial infantile, with calcification of basal ganglia and chronic cerebrospinal fluid lymphocytosis. Identifiers: Orphanet 51, MedGen C0393591, MONDO:0018866.
Aicardi-Goutieres syndrome 5. Identifiers: Orphanet 51, MedGen C2749659, MONDO:0013059, OMIM 612952.
Chilblain lupus 2 (CHBL2). Identifiers: MedGen C3280721, MONDO:0013739, OMIM 614415.

Allele frequency attached by ClinVar (database versions not stated): gnomAD 0.00002; gnomAD exomes 0.00002 and 0.00004; TOPMed 0.00002; ExAC 0.00003; ESP Exome Variant Server 0.00008.
gnomAD v4.1: 32 of 1,614,084 alleles (0.002%); highest among the groups gnomAD compares: Non-Finnish European, 0.0025%; no homozygotes.

Submissions (5):

Labcorp Genetics (formerly Invitae), Labcorp
Classification: Pathogenic for Aicardi-Goutieres syndrome 5. Last evaluated: 2025-11-27. Review status: criteria provided, single submitter. Criteria: Invitae Variant Classification Sherloc (09022015). Collection method: clinical testing. Allele origin: germline.
Comment: This sequence change creates a premature translational stop signal (p.Ser23*) in the SAMHD1 gene. It is expected to result in an absent or disrupted protein product. Loss-of-function variants in SAMHD1 are known to be pathogenic (PMID: 19525956, 22461318). This variant is present in population databases (rs139804668, gnomAD 0.008%). This variant has not been reported in the literature in individuals affected with SAMHD1-related conditions. ClinVar contains an entry for this variant (Variation ID: 1076058). For these reasons, this variant has been classified as Pathogenic.

Natera, Inc.
Classification: Likely pathogenic for Aicardi-Goutieres syndrome. Last evaluated: 2025-04-13. Review status: criteria provided, single submitter. Criteria: Natera Variant Classification Schema (03/2026). Collection method: clinical testing. Allele origin: germline.
Comment: The c.68C>G variant in SAMHD1 is a nonsense variant predicted to introduce a stop codon at amino acid 23. This variant is expected to result in nonsense mediated decay, truncation, or a dysfunctional protein product. This variant is rare in the general population with a frequency below the threshold expected for the associated phenotype(s). Given the available evidence, this variant is classified as Likely Pathogenic.

PreventionGenetics, part of Exact Sciences
Classification: Likely pathogenic for SAMHD1-related condition. Last evaluated: 2024-12-17. Review status: criteria provided, single submitter. Criteria: ACMG Guidelines, 2015. Collection method: clinical testing. Allele origin: germline.
Comment: The SAMHD1 c.68C>G variant is predicted to result in premature protein termination (p.Ser23*). To our knowledge, this variant has not been reported in the literature. This variant is reported in 0.0079% of alleles in individuals of European (Non-Finnish) descent in gnomAD. Nonsense variants in SAMHD1 are expected to be pathogenic. This variant is interpreted as likely pathogenic for autosomal recessive SAMHD1-related disorders.

Blueprint Genetics
Classification: Likely pathogenic for SAMHD1-related disorders. Last evaluated: 2024-05-27. Review status: criteria provided, single submitter. Criteria: ACMG Guidelines, 2015. Collection method: clinical testing. Allele origin: germline. Affected: yes. Observed: 2 variant alleles.

Fulgent Genetics
Classification: Likely pathogenic for Aicardi-Goutieres syndrome 5; Chilblain lupus 2. Last evaluated: 2022-05-27. Review status: criteria provided, single submitter. Criteria: ACMG Guidelines, 2015. Collection method: clinical testing. Allele origin: unknown.

Literature cited by the submitters: PubMed 19525956 (cited by Labcorp Genetics (formerly Invitae), Labcorp); PubMed 22461318 (cited by Labcorp Genetics (formerly Invitae), Labcorp).

NM_015474.4(SAMHD1):c.68C>G (p.Ser23Ter)

Gene: SAMHD1 (SAM and HD domain containing deoxynucleoside triphosphate triphosphohydrolase 1; minus strand). Cytogenetic location: 20q11.23.
Variant type: single nucleotide variant.
Coding change: c.68C>G on transcript NM_015474.4 (MANE Select); coding-DNA position 68, C replaced by G.
Protein change: p.Ser23Ter; replaces serine 23 with a stop codon.
Molecular consequence: nonsense.
Genome position (GRCh38, 1-based): chr20:36,951,576, G>C on the plus strand (C>G on the coding strand, the complement: SAMHD1 is on the minus strand). VCF-style: chr20-36951576-G-C. GRCh37 (hg19) VCF-style: chr20-35579979-G-C.
Other names: c.68C>G (NM_015474.3); c.68C>G, p.Ser23Ter (NM_001363729.2, NM_001363733.2); short protein forms S23*.
Identifiers: ClinVar variation 1076058 (VCV001076058.11), dbSNP rs139804668, ClinGen allele CA9844843.